The following is an entry in ClinVar:

NM_000548.5(TSC2):c.3610+10G>A

Gene: TSC2 (TSC complex subunit 2; plus strand). Cytogenetic location: 16p13.3.
Variant type: single nucleotide variant.
Coding change: c.3610+10G>A on transcript NM_000548.5 (MANE Select); 10 bases into the intron after coding-DNA position 3610, G replaced by A.
Molecular consequence: intron variant.
Genome position (GRCh38, 1-based): chr16:2,080,387, G>A. VCF-style: chr16-2080387-G-A. GRCh37 (hg19) VCF-style: chr16-2130388-G-A.
Other names: c.3610+10G>A (NM_001114382.3, NM_000548.4); c.3481+10G>A (NM_021055.3, NM_001370405.1, NM_001363528.2); c.3478+10G>A (NM_001370404.1, NM_001077183.3); c.3370+10G>A (NM_001318827.2); c.2878+10G>A (NM_001318831.2); c.3334+10G>A (NM_001318829.2); c.3511+10G>A (NM_001318832.2).
Identifiers: ClinVar variation 238022 (VCV000238022.14), dbSNP rs764446159, ClinGen allele CA047606.

ClinVar aggregate classification (germline): Benign. Review status: criteria provided, multiple submitters, no conflicts (2 of 4 stars). 3 submissions from 3 submitters: Benign (2). 1 of the submissions does not count toward it. Last evaluated 2026-01-26.

Conditions:
TSC2-related disorder. Also called: TSC2-Related Disorders; TSC2-related condition.
Tuberous sclerosis 2 (TSC2). Identifiers: Orphanet 805, MedGen C1860707, MONDO:0013199, OMIM 613254.

Allele frequency attached by ClinVar (database versions not stated): gnomAD exomes 0.00001 and 0.00004; TOPMed 0.00004; ExAC 0.00005; gnomAD 0.00005.
gnomAD v4.1: 27 of 1,610,068 alleles (0.0017%); highest among the groups gnomAD compares: African/African-American, 0.0094%; no homozygotes.

Submissions (3):

Labcorp Genetics (formerly Invitae), Labcorp
Classification: Benign for Tuberous sclerosis 2. Last evaluated: 2026-01-26. Review status: criteria provided, single submitter. Criteria: Invitae Variant Classification Sherloc (09022015). Collection method: clinical testing. Allele origin: germline.

Myriad Genetics, Inc.
Classification: Benign for Tuberous sclerosis 2. Last evaluated: 2024-09-09. Review status: criteria provided, single submitter. Criteria: Myriad Autosomal Dominant, Autosomal Recessive and X-Linked Classification Criteria (2023). Collection method: clinical testing. Allele origin: unknown.
Comment: This variant is considered benign. This variant is intronic and is not expected to impact mRNA splicing. This variant has been observed at a population frequency that is significantly greater than expected given the associated disease prevalence and penetrance.

PreventionGenetics, part of Exact Sciences
Classification: Likely benign for TSC2-related condition. Last evaluated: 2022-09-13. Review status: no assertion criteria provided. Collection method: clinical testing. Allele origin: germline. Not counted in ClinVar's aggregate classification.
Comment: This variant is classified as likely benign based on ACMG/AMP sequence variant interpretation guidelines (Richards et al. 2015 PMID: 25741868, with internal and published modifications).